The following is an entry in ClinVar:

ClinVar aggregate classification (germline): Uncertain significance (1 of 4 stars; one submission).

Conditions:
Werner syndrome (WRN). Identifiers: Orphanet 902, MedGen C0043119, MONDO:0010196, OMIM 277700.

Allele frequency attached by ClinVar (database versions not stated): TOPMed below 0.00001; gnomAD 0.00001; ExAC 0.00002; gnomAD exomes 0.00002 and 0.00003.
gnomAD v4.1: 41 of 1,613,234 alleles (0.0025%); highest among the groups gnomAD compares: Non-Finnish European, 0.0035%; no homozygotes.

Submission:

Labcorp Genetics (formerly Invitae), Labcorp
Classification: Uncertain significance for Werner syndrome. Last evaluated: 2024-05-21. Review status: criteria provided, single submitter. Criteria: Invitae Variant Classification Sherloc (09022015). Collection method: clinical testing. Allele origin: germline.
Comment: This sequence change replaces serine with proline at codon 478 of the WRN protein (p.Ser478Pro). The serine residue is moderately conserved and there is a moderate physicochemical difference between serine and proline. This variant is present in population databases (rs745685947, gnomAD 0.004%). This variant has not been reported in the literature in individuals affected with WRN-related conditions. ClinVar contains an entry for this variant (Variation ID: 1034516). An algorithm developed to predict the effect of missense changes on protein structure and function (PolyPhen-2) suggests that this variant is likely to be disruptive. In summary, the available evidence is currently insufficient to determine the role of this variant in disease. Therefore, it has been classified as a Variant of Uncertain Significance.

NM_000553.6(WRN):c.1432T>C (p.Ser478Pro)

Gene: WRN (WRN RecQ like helicase; plus strand). Cytogenetic location: 8p12.
Variant type: single nucleotide variant.
Coding change: c.1432T>C on transcript NM_000553.6 (MANE Select); coding-DNA position 1432, T replaced by C.
Protein change: p.Ser478Pro; replaces serine 478 with proline.
Molecular consequence: missense variant.
Genome position (GRCh38, 1-based): chr8:31,087,776, T>C. VCF-style: chr8-31087776-T-C. GRCh37 (hg19) VCF-style: chr8-30945292-T-C.
Other names: short protein forms S478P.
Identifiers: ClinVar variation 1034516 (VCV001034516.3), dbSNP rs745685947, ClinGen allele CA4704372.